The following is an entry in ClinVar:

ClinVar aggregate classification (germline): Pathogenic/Likely pathogenic. Review status: criteria provided, multiple submitters, no conflicts (2 of 4 stars). 3 submissions from 3 submitters: Pathogenic (2); Likely pathogenic (1). Last evaluated 2025-12-10.

Conditions:
Retinitis pigmentosa 26 (RP26). Identifiers: Orphanet 791, MedGen C1842127, MONDO:0012024, OMIM 608380.

Allele frequency attached by ClinVar (database versions not stated): gnomAD exomes below 0.00001; gnomAD 0.00001.
gnomAD v4.1: 2 of 1,613,896 alleles (0.00012%); highest among the groups gnomAD compares: African/African-American, 0.0027%; no homozygotes.

Submissions (3):

Natera, Inc.
Classification: Likely pathogenic for Retinitis Pigmentosa 26. Last evaluated: 2025-12-10. Review status: criteria provided, single submitter. Criteria: Natera Variant Classification Schema (03/2026). Collection method: clinical testing. Allele origin: germline.
Comment: The c.1305C>A variant in CERKL is a nonsense variant predicted to introduce a stop codon at amino acid 435. This variant is expected to result in nonsense mediated decay, truncation, or a dysfunctional protein product. This variant is rare in the general population with a frequency below the threshold expected for the associated phenotype(s). Given the available evidence, this variant is classified as Likely Pathogenic.

GeneDx
Classification: Pathogenic. Last evaluated: 2024-11-20. Review status: criteria provided, single submitter. Criteria: GeneDx Variant Classification Process June 2021. Collection method: clinical testing. Allele origin: germline. Affected: yes.
Comment: Nonsense variant predicted to result in protein truncation or nonsense mediated decay in a gene for which loss of function is a known mechanism of disease; Not observed at significant frequency in large population cohorts (gnomAD); This variant is associated with the following publications: (PMID: 31964843)

Labcorp Genetics (formerly Invitae), Labcorp
Classification: Pathogenic. Last evaluated: 2024-01-25. Review status: criteria provided, single submitter. Criteria: Invitae Variant Classification Sherloc (09022015). Collection method: clinical testing. Allele origin: germline.
Comment: This sequence change creates a premature translational stop signal (p.Cys435*) in the CERKL gene. It is expected to result in an absent or disrupted protein product. Loss-of-function variants in CERKL are known to be pathogenic (PMID: 14681825, 23591405, 24043777). This variant is present in population databases (no rsID available, gnomAD 0.007%). This variant has not been reported in the literature in individuals affected with CERKL-related conditions. ClinVar contains an entry for this variant (Variation ID: 1457258). Algorithms developed to predict the effect of sequence changes on RNA splicing suggest that this variant may disrupt the consensus splice site. For these reasons, this variant has been classified as Pathogenic.

Literature cited by the submitters: PubMed 14681825 (cited by Labcorp Genetics (formerly Invitae), Labcorp); PubMed 23591405 (cited by Labcorp Genetics (formerly Invitae), Labcorp); PubMed 24043777 (cited by Labcorp Genetics (formerly Invitae), Labcorp).

NM_201548.5(CERKL):c.1227C>A (p.Cys409Ter)

Gene: CERKL (CERK like autophagy regulator; minus strand). Cytogenetic location: 2q31.3.
Variant type: single nucleotide variant.
Coding change: c.1227C>A on transcript NM_201548.5 (MANE Select); coding-DNA position 1227, C replaced by A.
Protein change: p.Cys409Ter; replaces cysteine 409 with a stop codon.
Molecular consequence: nonsense. On other transcripts: non-coding transcript variant (2).
Genome position (GRCh38, 1-based): chr2:181,547,659, G>T on the plus strand (C>A on the coding strand, the complement: CERKL is on the minus strand). VCF-style: chr2-181547659-G-T. GRCh37 (hg19) VCF-style: chr2-182412386-G-T.
Other names: c.1305C>A, p.Cys435Ter (NM_001030311.3); c.888C>A, p.Cys296Ter (NM_001030312.3); c.1020C>A, p.Cys340Ter (NM_001030313.3); c.1173C>A, p.Cys391Ter (NM_001160277.2); c.1227C>A (NM_201548.4); c.1305C>A (NM_001030311.2); short protein forms C296*, C435*, C391*, C340*, C409*.
Identifiers: ClinVar variation 1457258 (VCV001457258.8), dbSNP rs1400346403, ClinGen allele CA349735307.